The following is an entry in ClinVar:

NM_020461.4(TUBGCP6):c.2684G>T (p.Ser895Ile)

Gene: TUBGCP6 (tubulin gamma complex component 6; minus strand). Cytogenetic location: 22q13.33.
Variant type: single nucleotide variant.
Coding change: c.2684G>T on transcript NM_020461.4 (MANE Select); coding-DNA position 2684, G replaced by T.
Protein change: p.Ser895Ile; replaces serine 895 with isoleucine.
Molecular consequence: missense variant.
Genome position (GRCh38, 1-based): chr22:50,221,675, C>A on the plus strand (G>T on the coding strand, the complement: TUBGCP6 is on the minus strand). VCF-style: chr22-50221675-C-A. GRCh37 (hg19) VCF-style: chr22-50660104-C-A.
Other names: short protein forms S895I.
Identifiers: ClinVar variation 1955698 (VCV001955698.6), dbSNP rs2519138821, ClinGen allele CA412096667.

ClinVar aggregate classification (germline): Uncertain significance. Review status: criteria provided, multiple submitters, no conflicts (2 of 4 stars). 2 submissions from 2 submitters: Uncertain significance (2). Last evaluated 2022-03-23.

Conditions:
Inborn genetic diseases. Identifiers: MedGen C0950123, MeSH D030342.

Submissions (2):

Labcorp Genetics (formerly Invitae), Labcorp
Classification: Uncertain significance. Last evaluated: 2022-03-23. Review status: criteria provided, single submitter. Criteria: Invitae Variant Classification Sherloc (09022015). Collection method: clinical testing. Allele origin: germline.
Comment: This variant is not present in population databases (gnomAD no frequency). This sequence change replaces serine, which is neutral and polar, with isoleucine, which is neutral and non-polar, at codon 895 of the TUBGCP6 protein (p.Ser895Ile). This variant has not been reported in the literature in individuals affected with TUBGCP6-related conditions. In summary, the available evidence is currently insufficient to determine the role of this variant in disease. Therefore, it has been classified as a Variant of Uncertain Significance. Algorithms developed to predict the effect of missense changes on protein structure and function (SIFT, PolyPhen-2, Align-GVGD) all suggest that this variant is likely to be tolerated.

Ambry Genetics
Classification: Uncertain significance for Inborn genetic diseases. Last evaluated: 2021-08-16. Review status: criteria provided, single submitter. Criteria: Ambry Variant Classification Scheme 2023. Collection method: clinical testing. Allele origin: germline.